The following is an entry in ClinVar:

ClinVar aggregate classification (germline): Uncertain significance (1 of 4 stars; one submission).

Conditions:
Hereditary cancer-predisposing syndrome. Also called: Neoplastic Syndromes, Hereditary; Hereditary neoplastic syndrome; Tumor predisposition; Hereditary Cancer Syndrome. Identifiers: Orphanet 140162, MedGen C0027672, MeSH D009386, MONDO:0015356.

Submission:

Ambry Genetics
Classification: Uncertain significance for Hereditary cancer-predisposing syndrome. Last evaluated: 2026-02-25. Review status: criteria provided, single submitter. Criteria: Ambry Variant Classification Scheme 2023. Collection method: clinical testing. Allele origin: germline.
Comment: The c.660-22A>G intronic variant results from an A to G substitution 22 nucleotides upstream from coding exon 9 in the BAP1 gene. This alteration was non-functional in a high throughput genome editing haploid cell survival functional assay (Waters AJ et al. Nat Genet, 2024 Jul;56:1434-1445).This nucleotide position is highly conserved in available vertebrate species. In silico splice site analysis predicts that this alteration may weaken the native splice acceptor site; however, direct evidence is insufficient at this time (Ambry internal data). Based on the available evidence, the clinical significance of this variant remains unclear.

Literature cited by the submitters: PubMed 38969833.

NM_004656.4(BAP1):c.660-22A>G

Gene: BAP1 (BRCA1 associated deubiquitinase 1; minus strand). Cytogenetic location: 3p21.1.
Variant type: single nucleotide variant.
Coding change: c.660-22A>G on transcript NM_004656.4 (MANE Select); 22 bases into the intron before coding-DNA position 660, A replaced by G.
Molecular consequence: intron variant.
Genome position (GRCh38, 1-based): chr3:52,406,398, T>C on the plus strand (A>G on the coding strand, the complement: BAP1 is on the minus strand). VCF-style: chr3-52406398-T-C. GRCh37 (hg19) VCF-style: chr3-52440414-T-C.
Other names: c.660-76A>G (NM_001410772.1).
Identifiers: ClinVar variation 4824097 (VCV004824097.1).